The following is an entry in ClinVar:

ClinVar aggregate classification (germline): Likely benign. Review status: criteria provided, multiple submitters, no conflicts (2 of 4 stars). 3 submissions from 3 submitters: Likely benign (3). Last evaluated 2025-07-13.

Conditions:
Chromosome 2q32-q33 deletion syndrome (GLASS). Also called: Glass syndrome; 2q33.1 deletion syndrome. Identifiers: Orphanet 251019, MedGen C2676739, MONDO:0012864, OMIM 612313.

Allele frequency attached by ClinVar (database versions not stated): gnomAD exomes 0.00001 and 0.00003; TOPMed 0.00004; gnomAD 0.00010.
gnomAD v4.1: 64 of 1,566,976 alleles (0.0041%); highest among the groups gnomAD compares: Non-Finnish European, 0.0053%; no homozygotes.

Submissions (3):

Labcorp Genetics (formerly Invitae), Labcorp
Classification: Likely benign for Chromosome 2q32-q33 deletion syndrome. Last evaluated: 2025-07-13. Review status: criteria provided, single submitter. Criteria: Invitae Variant Classification Sherloc (09022015). Collection method: clinical testing. Allele origin: germline.

CeGaT Center for Human Genetics Tuebingen
Classification: Likely benign. Last evaluated: 2023-09-01. Review status: criteria provided, single submitter. Criteria: CeGaT Center For Human Genetics Tuebingen Variant Classification Criteria Version 2. Collection method: clinical testing. Allele origin: germline. Affected: yes. Observed: 1 variant allele.
Comment: SATB2: BP4

Blueprint Genetics
Classification: Likely benign. Last evaluated: 2022-11-02. Review status: criteria provided, single submitter. Criteria: ACMG Guidelines, 2015. Collection method: clinical testing. Allele origin: germline.

NM_001172509.2(SATB2):c.1173+5A>G

Gene: SATB2 (SATB homeobox 2; minus strand). Cytogenetic location: 2q33.1.
Variant type: single nucleotide variant.
Coding change: c.1173+5A>G on transcript NM_001172509.2 (MANE Select); 5 bases into the intron after coding-DNA position 1173, A replaced by G.
Molecular consequence: intron variant.
Genome position (GRCh38, 1-based): chr2:199,348,696, T>C on the plus strand (A>G on the coding strand, the complement: SATB2 is on the minus strand). VCF-style: chr2-199348696-T-C. GRCh37 (hg19) VCF-style: chr2-200213419-T-C.
Other names: c.1173+5A>G (NM_001172517.1, NM_015265.4).
Identifiers: ClinVar variation 568908 (VCV000568908.36), dbSNP rs569655648, ClinGen allele CA64251724.